The following is an entry in ClinVar:

NM_004830.4(MED23):c.3015G>A (p.Leu1005=)

Gene: MED23 (mediator complex subunit 23; minus strand). Cytogenetic location: 6q23.2.
Variant type: single nucleotide variant.
Coding change: c.3015G>A on transcript NM_004830.4 (MANE Select); coding-DNA position 3015, G replaced by A.
Protein change: p.Leu1005=; no amino-acid change (leucine 1005 retained).
Molecular consequence: synonymous variant.
Genome position (GRCh38, 1-based): chr6:131,594,316, C>T on the plus strand (G>A on the coding strand, the complement: MED23 is on the minus strand). VCF-style: chr6-131594316-C-T. GRCh37 (hg19) VCF-style: chr6-131915456-C-T.
Other names: c.3015G>A, p.Leu1005= (NM_001270521.2, NM_001270522.2); c.3033G>A, p.Leu1011= (NM_001376517.1, NM_015979.4); c.2961G>A, p.Leu987= (NM_001376518.1); c.2877G>A, p.Leu959= (NM_001376519.1, NM_001376521.1); c.2874G>A, p.Leu958= (NM_001376520.1); c.2844G>A, p.Leu948= (NM_001376522.1); c.2760G>A, p.Leu920= (NM_001376523.1); c.2628G>A, p.Leu876= (NM_001376524.1).
Identifiers: ClinVar variation 1799065 (VCV001799065.29), dbSNP rs572800462, ClinGen allele CA3999699.

ClinVar aggregate classification (germline): Likely benign. Review status: criteria provided, multiple submitters, no conflicts (2 of 4 stars). 2 submissions from 2 submitters: Likely benign (2). Last evaluated 2025-08-01.

Conditions:
Inborn genetic diseases. Identifiers: MedGen C0950123, MeSH D030342.

Allele frequency attached by ClinVar (database versions not stated): gnomAD 0.00001; ExAC 0.00002; gnomAD exomes 0.00002; TOPMed 0.00002; 1000 Genomes Project 30x 0.00016; 1000 Genomes Project 0.00020.
gnomAD v4.1: 38 of 1,613,782 alleles (0.0024%); highest among the groups gnomAD compares: Non-Finnish European, 0.003%; no homozygotes.

Submissions (2):

CeGaT Center for Human Genetics Tuebingen
Classification: Likely benign. Last evaluated: 2025-08-01. Review status: criteria provided, single submitter. Criteria: CeGaT Center For Human Genetics Tuebingen Variant Classification Criteria Version 2. Collection method: clinical testing. Allele origin: germline. Affected: yes. Observed: 2 variant alleles.
Comment: MED23: BP4, BP7

Ambry Genetics
Classification: Likely benign for Inborn genetic diseases. Last evaluated: 2020-06-29. Review status: criteria provided, single submitter. Criteria: Ambry Variant Classification Scheme 2023. Collection method: clinical testing. Allele origin: germline.